The following is an entry in ClinVar:

NM_002299.4(LCT):c.2059A>T (p.Thr687Ser)

Gene: LCT (lactase; minus strand). Cytogenetic location: 2q21.3.
Variant type: single nucleotide variant.
Coding change: c.2059A>T on transcript NM_002299.4 (MANE Select); coding-DNA position 2059, A replaced by T.
Protein change: p.Thr687Ser; replaces threonine 687 with serine.
Molecular consequence: missense variant.
Genome position (GRCh38, 1-based): chr2:135,812,605, T>A on the plus strand (A>T on the coding strand, the complement: LCT is on the minus strand). VCF-style: chr2-135812605-T-A. GRCh37 (hg19) VCF-style: chr2-136570175-T-A.
Other names: short protein forms T687S.
Identifiers: ClinVar variation 2123845 (VCV002123845.4), dbSNP rs778010175, ClinGen allele CA348604768.

ClinVar aggregate classification (germline): Uncertain significance (1 of 4 stars; one submission).

Submission:

Labcorp Genetics (formerly Invitae), Labcorp
Classification: Uncertain significance. Last evaluated: 2022-04-09. Review status: criteria provided, single submitter. Criteria: Invitae Variant Classification Sherloc (09022015). Collection method: clinical testing. Allele origin: germline.
Comment: In summary, the available evidence is currently insufficient to determine the role of this variant in disease. Therefore, it has been classified as a Variant of Uncertain Significance. Algorithms developed to predict the effect of missense changes on protein structure and function are either unavailable or do not agree on the potential impact of this missense change (SIFT: "Not Available"; PolyPhen-2: "Probably Damaging"; Align-GVGD: "Not Available"). This variant has not been reported in the literature in individuals affected with LCT-related conditions. This variant is not present in population databases (gnomAD no frequency). This sequence change replaces threonine, which is neutral and polar, with serine, which is neutral and polar, at codon 687 of the LCT protein (p.Thr687Ser).